The following is an entry in ClinVar:

NM_000044.6(AR):c.2710G>A (p.Val904Met)

Gene: AR (androgen receptor; plus strand). Cytogenetic location: Xq12.
Variant type: single nucleotide variant.
Coding change: c.2710G>A on transcript NM_000044.6 (MANE Select); coding-DNA position 2710, G replaced by A.
Protein change: p.Val904Met; replaces valine 904 with methionine.
Molecular consequence: missense variant.
Genome position (GRCh38, 1-based): chrX:67,723,788, G>A. VCF-style: chrX-67723788-G-A. GRCh37 (hg19) VCF-style: chrX-66943630-G-A.
Other names: c.1114G>A, p.Val372Met (NM_001011645.3); short protein forms V904M, V372M.
Identifiers: ClinVar variation 2138590 (VCV002138590.4), dbSNP rs2147540656, ClinGen allele CA413428386.

ClinVar aggregate classification (germline): Likely pathogenic (1 of 4 stars; one submission).

Conditions:
Androgen resistance syndrome (AIS). Also called: Androgen insensitivity syndrome; Androgen insensitivity syndrome due to coactivator deficiency; DHTR DEFICIENCY; ANDROGEN RECEPTOR DEFICIENCY; DIHYDROTESTOSTERONE RECEPTOR DEFICIENCY; Androgen insensitivity, complete. Identifiers: Orphanet 754, Orphanet 99429, MedGen C0039585, MONDO:0019154, OMIM 300068. Disease mechanism: loss of function.
Kennedy disease (SMAX1). Also called: Spinal and Bulbar Muscular Atrophy; SPINAL AND BULBAR MUSCULAR ATROPHY, X-LINKED 1; KENNEDY SPINAL AND BULBAR MUSCULAR ATROPHY. Identifiers: Orphanet 481, MedGen C1839259, MONDO:0010735, OMIM 313200.

Submission:

Labcorp Genetics (formerly Invitae), Labcorp
Classification: Likely pathogenic for Kennedy disease; Androgen resistance syndrome. Last evaluated: 2022-07-16. Review status: criteria provided, single submitter. Criteria: Invitae Variant Classification Sherloc (09022015). Collection method: clinical testing. Allele origin: germline.
Comment: Experimental studies have shown that this missense change affects AR function (PMID: 29051026). Algorithms developed to predict the effect of missense changes on protein structure and function are either unavailable or do not agree on the potential impact of this missense change (SIFT: "Deleterious"; PolyPhen-2: "Probably Damaging"; Align-GVGD: "Class C0"). This variant is also known as V901M. This missense change has been observed in individual(s) with androgen insensitivity syndrome (PMID: 1430233, 29051026, 33750429; Invitae). This variant is not present in population databases (gnomAD no frequency). This sequence change replaces valine, which is neutral and non-polar, with methionine, which is neutral and non-polar, at codon 904 of the AR protein (p.Val904Met). This variant disrupts the p.Val904 amino acid residue in AR. Other variant(s) that disrupt this residue have been observed in individuals with AR-related conditions (PMID: 20150575), which suggests that this may be a clinically significant amino acid residue. In summary, the currently available evidence indicates that the variant is pathogenic, but additional data are needed to prove that conclusively. Therefore, this variant has been classified as Likely Pathogenic.

Literature cited by the submitters: PubMed 29051026; PubMed 1430233; PubMed 33750429; PubMed 20150575.